The following is an entry in ClinVar:

NM_020458.4(TTC7A):c.1699C>T (p.His567Tyr)

Gene: TTC7A (tetratricopeptide repeat domain 7A; plus strand). Cytogenetic location: 2p21.
Variant type: single nucleotide variant.
Coding change: c.1699C>T on transcript NM_020458.4 (MANE Select); coding-DNA position 1699, C replaced by T.
Protein change: p.His567Tyr; replaces histidine 567 with tyrosine.
Molecular consequence: missense variant.
Genome position (GRCh38, 1-based): chr2:47,029,281, C>T. VCF-style: chr2-47029281-C-T. GRCh37 (hg19) VCF-style: chr2-47256420-C-T.
Other names: c.1699C>T, p.His567Tyr (NM_001288951.2); c.1597C>T, p.His533Tyr (NM_001288953.2); c.637C>T, p.His213Tyr (NM_001288955.2); c.1699C>T (NM_020458.2); short protein forms H213Y, H533Y, H567Y.
Identifiers: ClinVar variation 1015455 (VCV001015455.8), dbSNP rs1301420520, ClinGen allele CA346717284.
Genomic context (GRCh38, chr2:47,029,281, plus strand): 5'-CAGATCTCCAGTGCCATGGAGCAGCTGCAGGAGGCCCTGAAGGTACGCAAGGATGATGCC[C>T]ACGCCCTCCACCTGCTGGCACTGCTCTTCTCTGCCCAGAAGCACCACCAGCATGCCCTGG-3'
Protein context (NP_065191.2, residues 557-577): EALKVRKDDA[His567Tyr]ALHLLALLFS

ClinVar aggregate classification (germline): Uncertain significance. Review status: criteria provided, multiple submitters, no conflicts (2 of 4 stars). 2 submissions from 2 submitters: Uncertain significance (2). Last evaluated 2025-11-03.

Conditions:
Inborn genetic diseases. Identifiers: MedGen C0950123, MeSH D030342.
Multiple gastrointestinal atresias. Also called: FAMILIAL INTESTINAL POLYATRESIA SYNDROME; Multiple intestinal atresia. Identifiers: Orphanet 2300, MedGen C0220744, MONDO:0009465.

Allele frequency attached by ClinVar (database versions not stated): gnomAD exomes below 0.00001; gnomAD 0.00001; TOPMed 0.00001.
gnomAD v4.1: 3 of 1,613,960 alleles (0.00019%); highest among the groups gnomAD compares: Admixed American, 0.005%; no homozygotes.

Submissions (2):

Ambry Genetics
Classification: Uncertain significance for Inborn genetic diseases. Last evaluated: 2025-11-03. Review status: criteria provided, single submitter. Criteria: Ambry Variant Classification Scheme 2023. Collection method: clinical testing. Allele origin: germline.

Labcorp Genetics (formerly Invitae), Labcorp
Classification: Uncertain significance for Multiple gastrointestinal atresias. Last evaluated: 2021-08-28. Review status: criteria provided, single submitter. Criteria: Invitae Variant Classification Sherloc (09022015). Collection method: clinical testing. Allele origin: germline.
Comment: This sequence change replaces histidine with tyrosine at codon 567 of the TTC7A protein (p.His567Tyr). The histidine residue is weakly conserved and there is a moderate physicochemical difference between histidine and tyrosine. This variant is not present in population databases (ExAC no frequency). This variant has not been reported in the literature in individuals affected with TTC7A-related conditions. Algorithms developed to predict the effect of missense changes on protein structure and function are either unavailable or do not agree on the potential impact of this missense change (SIFT: "Tolerated"; PolyPhen-2: "Possibly Damaging"; Align-GVGD: "Class C0"). In summary, the available evidence is currently insufficient to determine the role of this variant in disease. Therefore, it has been classified as a Variant of Uncertain Significance.